The following is an entry in ClinVar:

ClinVar aggregate classification (germline): Conflicting classifications of pathogenicity. Review status: criteria provided, conflicting classifications (1 of 4 stars). 2 submissions from 2 submitters: Uncertain significance (1); Likely benign (1). Last evaluated 2024-08-20.

Conditions:
Spermatogenic failure 18. Identifiers: MedGen C4539783, MONDO:0054615, OMIM 617576.
Ciliary dyskinesia, primary, 37 (CILD37). Also called: CILIARY DYSKINESIA, PRIMARY, 37, WITH OR WITHOUT SITUS INVERSUS. Identifiers: MedGen C4539798, MONDO:0033204, OMIM 617577.

Allele frequency attached by ClinVar (database versions not stated): ExAC 0.00006; gnomAD 0.00007.
gnomAD v4.1: 149 of 1,574,200 alleles (0.0095%); highest among the groups gnomAD compares: Non-Finnish European, 0.012%; no homozygotes.

Submissions (2):

Labcorp Genetics (formerly Invitae), Labcorp
Classification: Uncertain significance for Ciliary dyskinesia, primary, 37; Spermatogenic failure 18. Last evaluated: 2024-08-20. Review status: criteria provided, single submitter. Criteria: Invitae Variant Classification Sherloc (09022015). Collection method: clinical testing. Allele origin: germline.
Comment: This sequence change falls in intron 23 of the DNAH1 gene. It does not directly change the encoded amino acid sequence of the DNAH1 protein. It affects a nucleotide within the consensus splice site. This variant is present in population databases (rs769030420, gnomAD 0.008%). This variant has not been reported in the literature in individuals affected with DNAH1-related conditions. ClinVar contains an entry for this variant (Variation ID: 2047158). Variants that disrupt the consensus splice site are a relatively common cause of aberrant splicing (PMID: 17576681, 9536098). Algorithms developed to predict the effect of sequence changes on RNA splicing suggest that this variant is not likely to affect RNA splicing. In summary, the available evidence is currently insufficient to determine the role of this variant in disease. Therefore, it has been classified as a Variant of Uncertain Significance.

Blueprint Genetics
Classification: Likely benign. Last evaluated: 2024-02-20. Review status: criteria provided, single submitter. Criteria: ACMG Guidelines, 2015. Collection method: clinical testing. Allele origin: germline.

Literature cited by the submitters: PubMed 17576681 (cited by Labcorp Genetics (formerly Invitae), Labcorp); PubMed 9536098 (cited by Labcorp Genetics (formerly Invitae), Labcorp).

NM_015512.5(DNAH1):c.3980+6C>T

Gene: DNAH1 (dynein axonemal heavy chain 1; plus strand). Cytogenetic location: 3p21.1.
Variant type: single nucleotide variant.
Coding change: c.3980+6C>T on transcript NM_015512.5 (MANE Select); 6 bases into the intron after coding-DNA position 3980, C replaced by T.
Molecular consequence: intron variant.
Genome position (GRCh38, 1-based): chr3:52,357,741, C>T. VCF-style: chr3-52357741-C-T. GRCh37 (hg19) VCF-style: chr3-52391757-C-T.
Identifiers: ClinVar variation 2047158 (VCV002047158.3), dbSNP rs769030420, ClinGen allele CA2433747.